The following is an entry in ClinVar:

NM_001378120.1(MBD5):c.2519G>C (p.Gly840Ala)

Gene: MBD5 (methyl-CpG binding domain protein 5; plus strand). Cytogenetic location: 2q23.1.
Variant type: single nucleotide variant.
Coding change: c.2519G>C on transcript NM_001378120.1 (MANE Select); coding-DNA position 2519, G replaced by C.
Protein change: p.Gly840Ala; replaces glycine 840 with alanine.
Molecular consequence: missense variant.
Genome position (GRCh38, 1-based): chr2:148,483,110, G>C. VCF-style: chr2-148483110-G-C. GRCh37 (hg19) VCF-style: chr2-149240679-G-C.
Other names: c.2519G>C, p.Gly840Ala (NM_018328.5); short protein forms G840A.
Identifiers: ClinVar variation 1347182 (VCV001347182.8), dbSNP rs2105071209, ClinGen allele CA348722140.
Genomic context (GRCh38, chr2:148,483,110, plus strand): 5'-GTCTCACATAACATTCATGATTAATAACTGGGTTTTGTGTTTTTTTTTTTTTCATTTTAG[G>C]CGGTTCAGGACCATCATCCTCCATAGCCATAGCGGGCACCAACCACCCTGCCATCACAAA-3'
Protein context (NP_001365049.1, residues 830-850): SSYNQTSSEA[Gly840Ala]GSGPSSSIAI

ClinVar aggregate classification (germline): Uncertain significance (1 of 4 stars; one submission).

Conditions:
Intellectual developmental disorder, autosomal dominant 1. Also called: Intellectual disability, autosomal dominant 1; MBD5 Haploinsufficiency. Identifiers: Orphanet 228402, MedGen C1969562, MONDO:0007974, OMIM 156200.

Submission:

Labcorp Genetics (formerly Invitae), Labcorp
Classification: Uncertain significance for Intellectual developmental disorder, autosomal dominant 1. Last evaluated: 2023-05-15. Review status: criteria provided, single submitter. Criteria: Invitae Variant Classification Sherloc (09022015). Collection method: clinical testing. Allele origin: germline.
Comment: In summary, the available evidence is currently insufficient to determine the role of this variant in disease. Therefore, it has been classified as a Variant of Uncertain Significance. An algorithm developed to predict the effect of missense changes on protein structure and function (PolyPhen-2) suggests that this variant is likely to be disruptive. ClinVar contains an entry for this variant (Variation ID: 1347182). This variant has not been reported in the literature in individuals affected with MBD5-related conditions. This variant is not present in population databases (gnomAD no frequency). This sequence change replaces glycine, which is neutral and non-polar, with alanine, which is neutral and non-polar, at codon 840 of the MBD5 protein (p.Gly840Ala).